The following is an entry in ClinVar:

NM_013382.7(POMT2):c.1007-282T>C

Gene: POMT2 (protein O-mannosyltransferase 2; minus strand). Cytogenetic location: 14q24.3.
Variant type: single nucleotide variant.
Coding change: c.1007-282T>C on transcript NM_013382.7 (MANE Select); 282 bases into the intron before coding-DNA position 1007, T replaced by C.
Molecular consequence: intron variant.
Genome position (GRCh38, 1-based): chr14:77,296,555, A>G on the plus strand (T>C on the coding strand, the complement: POMT2 is on the minus strand). VCF-style: chr14-77296555-A-G. GRCh37 (hg19) VCF-style: chr14-77762898-A-G.
Identifiers: ClinVar variation 671516 (VCV000671516.2), dbSNP rs55687913, ClinGen allele CA13995994.

ClinVar aggregate classification (germline): Benign. Review status: criteria provided, multiple submitters, no conflicts (2 of 4 stars). 2 submissions from 2 submitters: Benign (2). Last evaluated 2018-06-14.

Allele frequency attached by ClinVar (database versions not stated): 1000 Genomes Project 30x 0.07823; 1000 Genomes Project 0.08027; TOPMed 0.08117; gnomAD 0.08644 and 0.09000.
gnomAD v4.1: 50,409 of 454,468 alleles (11%); highest among the groups gnomAD compares: South Asian, 19%; 3,401 homozygotes.

Submissions (2):

GeneDx
Classification: Benign. Last evaluated: 2018-06-14. Review status: criteria provided, single submitter. Criteria: GeneDx Variant Classification (06012015). Collection method: clinical testing. Allele origin: germline. Affected: yes.
Comment: This variant is considered likely benign or benign based on one or more of the following criteria: it is a conservative change, it occurs at a poorly conserved position in the protein, it is predicted to be benign by multiple in silico algorithms, and/or has population frequency not consistent with disease.

Breakthrough Genomics
Classification: Benign. Review status: criteria provided, single submitter. Criteria: ACMG Guidelines, 2015. Collection method: not provided. Allele origin: germline. Inheritance: Autosomal recessive inheritance. Affected: yes.